The following is an entry in ClinVar:

ClinVar aggregate classification (germline): Uncertain significance (1 of 4 stars; one submission).

Conditions:
Axenfeld-Rieger syndrome type 3 (RIEG3). Also called: AXENFELD-RIEGER ANOMALY WITH CARDIAC DEFECTS AND/OR SENSORINEURAL HEARING LOSS. Identifiers: Orphanet 782, MedGen C2678503, MONDO:0011233, OMIM 602482.

Allele frequency attached by ClinVar (database versions not stated): gnomAD 0.00001.

Submission:

Labcorp Genetics (formerly Invitae), Labcorp
Classification: Uncertain significance for Axenfeld-Rieger syndrome type 3. Last evaluated: 2024-02-23. Review status: criteria provided, single submitter. Criteria: Invitae Variant Classification Sherloc (09022015). Collection method: clinical testing. Allele origin: germline.
Comment: This sequence change replaces leucine, which is neutral and non-polar, with phenylalanine, which is neutral and non-polar, at codon 360 of the FOXC1 protein (p.Leu360Phe). This variant is present in population databases (no rsID available, gnomAD 0.01%). This variant has not been reported in the literature in individuals affected with FOXC1-related conditions. An algorithm developed to predict the effect of missense changes on protein structure and function (PolyPhen-2) suggests that this variant is likely to be tolerated. In summary, the available evidence is currently insufficient to determine the role of this variant in disease. Therefore, it has been classified as a Variant of Uncertain Significance.

NM_001453.3(FOXC1):c.1078C>T (p.Leu360Phe)

Gene: FOXC1 (forkhead box C1; plus strand). Cytogenetic location: 6p25.3.
Variant type: single nucleotide variant.
Coding change: c.1078C>T on transcript NM_001453.3 (MANE Select); coding-DNA position 1078, C replaced by T.
Protein change: p.Leu360Phe; replaces leucine 360 with phenylalanine.
Molecular consequence: missense variant.
Genome position (GRCh38, 1-based): chr6:1,611,523, C>T. VCF-style: chr6-1611523-C-T. GRCh37 (hg19) VCF-style: chr6-1611758-C-T.
Other names: short protein forms L360F.
Identifiers: ClinVar variation 2785908 (VCV002785908.3), dbSNP rs1422349424, ClinGen allele CA362560166.